The following is an entry in ClinVar:

ClinVar aggregate classification (germline): Uncertain significance (1 of 4 stars; one submission).

Submission:

Labcorp Genetics (formerly Invitae), Labcorp
Classification: Uncertain significance. Last evaluated: 2025-07-22. Review status: criteria provided, single submitter. Criteria: Invitae Variant Classification Sherloc (09022015). Collection method: clinical testing. Allele origin: germline.
Comment: This sequence change replaces glutamic acid, which is acidic and polar, with alanine, which is neutral and non-polar, at codon 435 of the RIMS1 protein (p.Glu435Ala). This variant is not present in population databases (gnomAD no frequency). This variant has not been reported in the literature in individuals affected with RIMS1-related conditions. An algorithm developed to predict the effect of missense changes on protein structure and function (PolyPhen-2) suggests that this variant is likely to be tolerated. In summary, the available evidence is currently insufficient to determine the role of this variant in disease. Therefore, it has been classified as a Variant of Uncertain Significance.

NM_014989.7(RIMS1):c.1304A>C (p.Glu435Ala)

Gene: RIMS1 (regulating synaptic membrane exocytosis 1; plus strand). Cytogenetic location: 6q13.
Variant type: single nucleotide variant.
Coding change: c.1304A>C on transcript NM_014989.7 (MANE Select); coding-DNA position 1304, A replaced by C.
Protein change: p.Glu435Ala; replaces glutamic acid 435 with alanine.
Molecular consequence: missense variant.
Genome position (GRCh38, 1-based): chr6:72,182,775, A>C. VCF-style: chr6-72182775-A-C. GRCh37 (hg19) VCF-style: chr6-72892478-A-C.
Other names: short protein forms E435A.
Identifiers: ClinVar variation 4704129 (VCV004704129.1).
Genomic context (GRCh38, chr6:72,182,775, plus strand): 5'-CGGCAGCCAGGGCCTCGCCGCCGGACTCGCCGCGGGCTTACTCGGCTGAGAGAACTGCGG[A>C]GACCAGGGCGCCGGGCGCCAAGCAGCTAACGAACCACAGCCCGCCGGCGCCCAGACATGG-3'
Protein context (NP_055804.2, residues 425-445): PRAYSAERTA[Glu435Ala]TRAPGAKQLT